The following is an entry in ClinVar:

ClinVar aggregate classification (germline): Uncertain significance (1 of 4 stars; one submission).

Conditions:
Ichthyosis linearis circumflexa. Identifiers: MedGen C0265962, MONDO:0043106, HP:0025810.

Allele frequency attached by ClinVar (database versions not stated): gnomAD exomes below 0.00001 and 0.00001; TOPMed below 0.00001; gnomAD 0.00001.
gnomAD v4.1: 10 of 1,613,666 alleles (0.00062%); highest among the groups gnomAD compares: East Asian, 0.0022%; no homozygotes.

Submission:

Labcorp Genetics (formerly Invitae), Labcorp
Classification: Uncertain significance for Ichthyosis linearis circumflexa. Last evaluated: 2022-06-04. Review status: criteria provided, single submitter. Criteria: Invitae Variant Classification Sherloc (09022015). Collection method: clinical testing. Allele origin: germline.
Comment: In summary, the available evidence is currently insufficient to determine the role of this variant in disease. Therefore, it has been classified as a Variant of Uncertain Significance. Algorithms developed to predict the effect of missense changes on protein structure and function are either unavailable or do not agree on the potential impact of this missense change (SIFT: "Deleterious"; PolyPhen-2: "Probably Damaging"; Align-GVGD: "Class C0"). ClinVar contains an entry for this variant (Variation ID: 459567). This variant has not been reported in the literature in individuals affected with SPINK5-related conditions. This variant is present in population databases (no rsID available, gnomAD 0.0009%). This sequence change replaces threonine, which is neutral and polar, with isoleucine, which is neutral and non-polar, at codon 452 of the SPINK5 protein (p.Thr452Ile).

NM_006846.4(SPINK5):c.1355C>T (p.Thr452Ile)

Gene: SPINK5 (serine peptidase inhibitor Kazal type 5; plus strand). Cytogenetic location: 5q32.
Variant type: single nucleotide variant.
Coding change: c.1355C>T on transcript NM_006846.4 (MANE Select); coding-DNA position 1355, C replaced by T.
Protein change: p.Thr452Ile; replaces threonine 452 with isoleucine.
Molecular consequence: missense variant.
Genome position (GRCh38, 1-based): chr5:148,101,833, C>T. VCF-style: chr5-148101833-C-T. GRCh37 (hg19) VCF-style: chr5-147481396-C-T.
Other names: c.1355C>T, p.Thr452Ile (NM_001127698.2, NM_001127699.2); short protein forms T452I.
Identifiers: ClinVar variation 459567 (VCV000459567.10), dbSNP rs1321102136, ClinGen allele CA361637255.
Genomic context (GRCh38, chr5:148,101,833, plus strand): 5'-TTTCACAGGAGTTGTGTAGTGAATACCGCAAATCCAGGAAAAACGGACGGCTTTTTTGCA[C>T]CAGAGAGAATGACCCCATCCAGGGCCCAGATGGAAAAATGCATGGCAACACCTGCTCCAT-3'
Protein context (NP_006837.2, residues 442-462): KSRKNGRLFC[Thr452Ile]RENDPIQGPD